The following is an entry in ClinVar:

NM_005529.7(HSPG2):c.6805G>A (p.Ala2269Thr)

Genes: HSPG2 (heparan sulfate proteoglycan 2; minus strand), LOC126805655 (CDK7 strongly-dependent group 2 enhancer GRCh37_chr1:22178409-22179608; plus strand). Cytogenetic location: 1p36.12.
Variant type: single nucleotide variant.
Coding change: c.6805G>A on transcript NM_005529.7 (MANE Select); coding-DNA position 6805, G replaced by A.
Protein change: p.Ala2269Thr; replaces alanine 2269 with threonine.
Molecular consequence: missense variant.
Genome position (GRCh38, 1-based): chr1:21,852,153, C>T on the plus strand (G>A on the coding strand, the complement: HSPG2 is on the minus strand). VCF-style: chr1-21852153-C-T. GRCh37 (hg19) VCF-style: chr1-22178646-C-T.
Other names: c.6808G>A, p.Ala2270Thr (NM_001291860.2); short protein forms A2270T, A2269T.
Identifiers: ClinVar variation 1525700 (VCV001525700.8), dbSNP rs905360222, ClinGen allele CA19118950.

ClinVar aggregate classification (germline): Uncertain significance (1 of 4 stars; one submission).

Allele frequency attached by ClinVar (database versions not stated): gnomAD exomes below 0.00001 and 0.00001; TOPMed 0.00001.
gnomAD v4.1: 3 of 1,612,882 alleles (0.00019%); highest among the groups gnomAD compares: Admixed American, 0.0017%; no homozygotes.

Submission:

Labcorp Genetics (formerly Invitae), Labcorp
Classification: Uncertain significance. Last evaluated: 2021-03-30. Review status: criteria provided, single submitter. Criteria: Invitae Variant Classification Sherloc (09022015). Collection method: clinical testing. Allele origin: germline.
Comment: This variant has not been reported in the literature in individuals with HSPG2-related conditions. Algorithms developed to predict the effect of missense changes on protein structure and function are either unavailable or do not agree on the potential impact of this missense change (SIFT: "Deleterious"; PolyPhen-2: "Benign"; Align-GVGD: "Class C0"). In summary, the available evidence is currently insufficient to determine the role of this variant in disease. Therefore, it has been classified as a Variant of Uncertain Significance. This variant is not present in population databases (ExAC no frequency). This sequence change replaces alanine with threonine at codon 2269 of the HSPG2 protein (p.Ala2269Thr). The alanine residue is weakly conserved and there is a small physicochemical difference between alanine and threonine.